The following is an entry in ClinVar:

ClinVar aggregate classification (germline): Pathogenic (1 of 4 stars; one submission).

Submission:

CeGaT Center for Human Genetics Tuebingen
Classification: Pathogenic. Last evaluated: 2024-07-01. Review status: criteria provided, single submitter. Criteria: CeGaT Center For Human Genetics Tuebingen Variant Classification Criteria Version 2. Collection method: clinical testing. Allele origin: germline. Affected: yes. Observed: 1 variant allele.
Comment: C3: PVS1, PM2

NM_000064.4(C3):c.2558del (p.Asn853fs)

Gene: C3 (complement C3; minus strand). Cytogenetic location: 19p13.3.
Variant type: Deletion.
Coding change: c.2558del on transcript NM_000064.4 (MANE Select); coding-DNA position 2558, one base deleted (A; older notation c.2558delA).
Protein change: p.Asn853fs; shifts the reading frame from asparagine 853.
Molecular consequence: frameshift variant.
Genome position (GRCh38, 1-based): chr19:6,697,677, T deleted on the plus strand (A on the coding strand, the reverse complement: C3 is on the minus strand); the first of 2 consecutive T bases (chr19:6,697,677-6,697,678); deleting either gives the same sequence. VCF-style (leftmost placement, unchanged base first): chr19-6697676-AT-A. GRCh37 (hg19) VCF-style: chr19-6697687-AT-A.
Other names: short protein forms N853fs.
Identifiers: ClinVar variation 3257541 (VCV003257541.17).